The following is an entry in ClinVar:

ClinVar aggregate classification (germline): Likely benign (1 of 4 stars; one submission).

Allele frequency attached by ClinVar (database versions not stated): 1000 Genomes Project 30x 0.00312; 1000 Genomes Project 0.00539.

Submission:

CeGaT Center for Human Genetics Tuebingen
Classification: Likely benign. Last evaluated: 2026-05-01. Review status: criteria provided, single submitter. Criteria: CeGaT Center For Human Genetics Tuebingen Variant Classification Criteria Version 2. Collection method: clinical testing. Allele origin: germline. Affected: yes. Observed: 2 variant alleles.
Comment: CEL: BP4, BP7

NM_001807.6(CEL):c.1776C>T (p.Pro592=)

Gene: CEL (carboxyl ester lipase; plus strand). Cytogenetic location: 9q34.13.
Variant type: single nucleotide variant.
Coding change: c.1776C>T on transcript NM_001807.6 (MANE Select); coding-DNA position 1776, C replaced by T.
Protein change: p.Pro592=; no amino-acid change (proline 592 retained).
Molecular consequence: synonymous variant.
Genome position (GRCh38, 1-based): chr9:133,071,278, C>T. VCF-style: chr9-133071278-C-T. GRCh37 (hg19) VCF-style: chr9-135946665-C-T.
Identifiers: ClinVar variation 3234312 (VCV003234312.20), dbSNP rs576967034, ClinGen allele CA5303538.